The following is an entry in ClinVar:

NM_177438.3(DICER1):c.4504G>A (p.Asp1502Asn)

Gene: DICER1 (dicer 1, ribonuclease III; minus strand). Cytogenetic location: 14q32.13.
Variant type: single nucleotide variant.
Coding change: c.4504G>A on transcript NM_177438.3 (MANE Select); coding-DNA position 4504, G replaced by A.
Protein change: p.Asp1502Asn; replaces aspartic acid 1502 with asparagine.
Molecular consequence: missense variant.
Genome position (GRCh38, 1-based): chr14:95,096,416, C>T on the plus strand (G>A on the coding strand, the complement: DICER1 is on the minus strand). VCF-style: chr14-95096416-C-T. GRCh37 (hg19) VCF-style: chr14-95562753-C-T.
Other names: c.4504G>A, p.Asp1502Asn (NM_001195573.1, NM_001271282.3, NM_001291628.2 and 1 more transcripts); short protein forms D1502N.
Identifiers: ClinVar variation 483463 (VCV000483463.16), dbSNP rs1273522896, ClinGen allele CA390868063.

ClinVar aggregate classification (germline): Uncertain significance. Review status: criteria provided, multiple submitters, no conflicts (2 of 4 stars). 2 submissions from 2 submitters: Uncertain significance (2). Last evaluated 2025-12-02.

Conditions:
DICER1-related tumor predisposition. Also called: DICER1-related pleuropulmonary blastoma cancer predisposition syndrome; DICER1 syndrome. Identifiers: Orphanet 284343, MedGen C3839822, MONDO:0100216.
Hereditary cancer-predisposing syndrome. Also called: Hereditary neoplastic syndrome; Neoplastic Syndromes, Hereditary; Tumor predisposition; Hereditary Cancer Syndrome. Identifiers: Orphanet 140162, MedGen C0027672, MeSH D009386, MONDO:0015356.

Allele frequency attached by ClinVar (database versions not stated): gnomAD exomes below 0.00001; gnomAD 0.00001; TOPMed 0.00001.
gnomAD v4.1: 5 of 1,614,082 alleles (0.00031%); highest among the groups gnomAD compares: Non-Finnish European, 0.00042%; no homozygotes.

Submissions (2):

Labcorp Genetics (formerly Invitae), Labcorp
Classification: Uncertain significance for DICER1-related tumor predisposition. Last evaluated: 2025-12-02. Review status: criteria provided, single submitter. Criteria: Invitae Variant Classification Sherloc (09022015). Collection method: clinical testing. Allele origin: germline.
Comment: This sequence change replaces aspartic acid, which is acidic and polar, with asparagine, which is neutral and polar, at codon 1502 of the DICER1 protein (p.Asp1502Asn). This variant is present in population databases (no rsID available, gnomAD 0.0009%). This variant has not been reported in the literature in individuals affected with DICER1-related conditions. ClinVar contains an entry for this variant (Variation ID: 483463). Invitae Evidence Modeling of protein sequence and biophysical properties (such as structural, functional, and spatial information, amino acid conservation, physicochemical variation, residue mobility, and thermodynamic stability) indicates that this missense variant is not expected to disrupt DICER1 protein function with a negative predictive value of 95%. In summary, the available evidence is currently insufficient to determine the role of this variant in disease. Therefore, it has been classified as a Variant of Uncertain Significance.

Ambry Genetics
Classification: Uncertain significance for Hereditary cancer-predisposing syndrome. Last evaluated: 2025-03-27. Review status: criteria provided, single submitter. Criteria: Ambry Variant Classification Scheme 2023. Collection method: clinical testing. Allele origin: germline.
Comment: The p.D1502N variant (also known as c.4504G>A), located in coding exon 22 of the DICER1 gene, results from a G to A substitution at nucleotide position 4504. The aspartic acid at codon 1502 is replaced by asparagine, an amino acid with highly similar properties. This amino acid position is highly conserved in available vertebrate species. In addition, this alteration is predicted to be tolerated by in silico analysis. Since supporting evidence is limited at this time, the clinical significance of this alteration remains unclear.